The following is an entry in ClinVar:

ClinVar aggregate classification (germline): Uncertain significance (1 of 4 stars; one submission).

Conditions:
Idiopathic Pulmonary Fibrosis. Also called: Idiopathic fibrosing alveolitis, chronic form; idiopathic fibrosing alveolitis. Identifiers: Orphanet 2032, MedGen C1800706, MeSH D054990, MONDO:0800504.
Dyskeratosis congenita, autosomal dominant 2. Identifiers: MedGen C3151443, MONDO:0013521, OMIM 613989.

Submission:

Labcorp Genetics (formerly Invitae), Labcorp
Classification: Uncertain significance for Dyskeratosis congenita, autosomal dominant 2; Idiopathic Pulmonary Fibrosis. Last evaluated: 2019-10-25. Review status: criteria provided, single submitter. Criteria: Invitae Variant Classification Sherloc (09022015). Collection method: clinical testing. Allele origin: germline.
Comment: In summary, the available evidence is currently insufficient to determine the role of this variant in disease. Therefore, it has been classified as a Variant of Uncertain Significance. Algorithms developed to predict the effect of missense changes on protein structure and function are either unavailable or do not agree on the potential impact of this missense change (SIFT: "Deleterious"; PolyPhen-2: "Probably Damaging"; Align-GVGD: "Class C0"). This variant has not been reported in the literature in individuals with TERT-related conditions. This variant is not present in population databases (ExAC no frequency). This sequence change replaces proline with arginine at codon 1121 of the TERT protein (p.Pro1121Arg). The proline residue is highly conserved and there is a moderate physicochemical difference between proline and arginine.

NM_198253.3(TERT):c.3362C>G (p.Pro1121Arg)

Gene: TERT (telomerase reverse transcriptase; minus strand). Cytogenetic location: 5p15.33.
Variant type: single nucleotide variant.
Coding change: c.3362C>G on transcript NM_198253.3 (MANE Select); coding-DNA position 3362, C replaced by G.
Protein change: p.Pro1121Arg; replaces proline 1121 with arginine.
Molecular consequence: missense variant. On other transcripts: non-coding transcript variant (2).
Genome position (GRCh38, 1-based): chr5:1,253,765, G>C on the plus strand (C>G on the coding strand, the complement: TERT is on the minus strand). VCF-style: chr5-1253765-G-C. GRCh37 (hg19) VCF-style: chr5-1253880-G-C.
Other names: c.3173C>G, p.Pro1058Arg (NM_001193376.3); short protein forms P1121R, P1058R.
Identifiers: ClinVar variation 959528 (VCV000959528.10), dbSNP rs1554038054, ClinGen allele CA359066588.